The following is an entry in ClinVar:

NM_000246.4(CIITA):c.319C>G (p.Gln107Glu)

Gene: CIITA (class II major histocompatibility complex transactivator; plus strand). Cytogenetic location: 16p13.13.
Variant type: single nucleotide variant.
Coding change: c.319C>G on transcript NM_000246.4 (MANE Select); coding-DNA position 319, C replaced by G.
Protein change: p.Gln107Glu; replaces glutamine 107 with glutamic acid.
Molecular consequence: missense variant. On other transcripts: non-coding transcript variant (1).
Genome position (GRCh38, 1-based): chr16:10,898,693, C>G. VCF-style: chr16-10898693-C-G. GRCh37 (hg19) VCF-style: chr16-10992550-C-G.
Other names: c.319C>G, p.Gln107Glu (NM_001286402.1, NM_001286403.2, NM_001379330.1 and 3 more transcripts); c.247C>G, p.Gln83Glu (NM_001379334.1); short protein forms Q107E, Q83E.
Identifiers: ClinVar variation 1007720 (VCV001007720.8), dbSNP rs1292657015, ClinGen allele CA394727111.

ClinVar aggregate classification (germline): Uncertain significance (1 of 4 stars; one submission).

Conditions:
MHC class II deficiency. Also called: Bare lymphocyte syndrome 2; BLS, TYPE II. Identifiers: Orphanet 572, MedGen C5447452, MONDO:0008855.

Submission:

Labcorp Genetics (formerly Invitae), Labcorp
Classification: Uncertain significance for MHC class II deficiency. Last evaluated: 2022-06-24. Review status: criteria provided, single submitter. Criteria: Invitae Variant Classification Sherloc (09022015). Collection method: clinical testing. Allele origin: germline.
Comment: This sequence change replaces glutamine, which is neutral and polar, with glutamic acid, which is acidic and polar, at codon 107 of the CIITA protein (p.Gln107Glu). This variant is not present in population databases (gnomAD no frequency). In summary, the available evidence is currently insufficient to determine the role of this variant in disease. Therefore, it has been classified as a Variant of Uncertain Significance. Algorithms developed to predict the effect of missense changes on protein structure and function (SIFT, PolyPhen-2, Align-GVGD) all suggest that this variant is likely to be tolerated. ClinVar contains an entry for this variant (Variation ID: 1007720). This variant has not been reported in the literature in individuals affected with CIITA-related conditions.